The following is an entry in ClinVar:

ClinVar aggregate classification (germline): Uncertain significance (1 of 4 stars; one submission).

Conditions:
Cardiovascular phenotype. Identifiers: MedGen CN230736.

Allele frequency attached by ClinVar (database versions not stated): gnomAD exomes below 0.00001; gnomAD 0.00001; TOPMed 0.00002.
gnomAD v4.1: 3 of 1,595,796 alleles (0.00019%); highest among the groups gnomAD compares: African/African-American, 0.0027%; no homozygotes.

Submission:

Ambry Genetics
Classification: Uncertain significance for Cardiovascular phenotype. Last evaluated: 2023-01-10. Review status: criteria provided, single submitter. Criteria: Ambry Variant Classification Scheme 2023. Collection method: clinical testing. Allele origin: germline.
Comment: The c.17719-3T>C intronic variant results from a T to C substitution 3 nucleotides upstream from coding exon 71 in the TTN gene. This nucleotide position is not well conserved in available vertebrate species. In silico splice site analysis predicts that this alteration will not have any significant effect on splicing. Since supporting evidence is limited at this time, the clinical significance of this alteration remains unclear.

NM_001267550.2(TTN):c.44914-3T>C

Genes: TTN (titin; minus strand), LOC126806427 (BRD4-independent group 4 enhancer GRCh37_chr2:179485777-179486976; plus strand). Cytogenetic location: 2q31.2.
Variant type: single nucleotide variant.
Coding change: c.44914-3T>C on transcript NM_001267550.2 (MANE Select); 3 bases into the intron before coding-DNA position 44914, T replaced by C.
Molecular consequence: intron variant.
Genome position (GRCh38, 1-based): chr2:178,622,011, A>G on the plus strand (T>C on the coding strand, the complement: TTN is on the minus strand). VCF-style: chr2-178622011-A-G. GRCh37 (hg19) VCF-style: chr2-179486738-A-G.
Other names: c.17719-3T>C (NM_003319.4); c.18295-3T>C (NM_133437.4); c.18094-3T>C (NM_133432.3); c.37210-3T>C (NM_133378.4); c.39991-3T>C (NM_001256850.1).
Identifiers: ClinVar variation 2451887 (VCV002451887.2), dbSNP rs1298625768, ClinGen allele CA761292421.